The following is an entry in ClinVar:

NM_001142800.2(EYS):c.214C>G (p.Gln72Glu)

Gene: EYS (EGF-like photoreceptor maintenance factor; minus strand). Cytogenetic location: 6q12.
Variant type: single nucleotide variant.
Coding change: c.214C>G on transcript NM_001142800.2 (MANE Select); coding-DNA position 214, C replaced by G.
Protein change: p.Gln72Glu; replaces glutamine 72 with glutamic acid.
Molecular consequence: missense variant.
Genome position (GRCh38, 1-based): chr6:65,495,197, G>C on the plus strand (C>G on the coding strand, the complement: EYS is on the minus strand). VCF-style: chr6-65495197-G-C. GRCh37 (hg19) VCF-style: chr6-66205090-G-C.
Other names: c.214C>G, p.Gln72Glu (NM_001142801.2, NM_001292009.2, NM_198283.2); short protein forms Q72E.
Identifiers: ClinVar variation 1964167 (VCV001964167.5), dbSNP rs1347645814, ClinGen allele CA364790399.
Genomic context (GRCh38, chr6:65,495,197, plus strand): 5'-AAGAAATTACAAGGATATCTCCTAATTGAATTTGCAAAGGGCAAATCTGGGGAACAGCTT[G>C]ATTGCCTGAAGTATCTATTTTAGTGTTTACACCCAAAAACCAGCAATCTCTGTAGAAGTC-3'
Protein context (NP_001136272.1, residues 62-82): VNTKIDTSGN[Gln72Glu]AVPQICPLQI

ClinVar aggregate classification (germline): Uncertain significance (1 of 4 stars; one submission).

Allele frequency attached by ClinVar (database versions not stated): gnomAD exomes below 0.00001; TOPMed below 0.00001.
gnomAD v4.1: 2 of 1,614,162 alleles (0.00012%); highest among the groups gnomAD compares: Non-Finnish European, 0.000085%; no homozygotes.

Submission:

Labcorp Genetics (formerly Invitae), Labcorp
Classification: Uncertain significance. Last evaluated: 2022-06-18. Review status: criteria provided, single submitter. Criteria: Invitae Variant Classification Sherloc (09022015). Collection method: clinical testing. Allele origin: germline.
Comment: In summary, the available evidence is currently insufficient to determine the role of this variant in disease. Therefore, it has been classified as a Variant of Uncertain Significance. Algorithms developed to predict the effect of missense changes on protein structure and function (SIFT, PolyPhen-2, Align-GVGD) all suggest that this variant is likely to be tolerated. This sequence change replaces glutamine, which is neutral and polar, with glutamic acid, which is acidic and polar, at codon 72 of the EYS protein (p.Gln72Glu). This variant is not present in population databases (gnomAD no frequency). This variant has not been reported in the literature in individuals affected with EYS-related conditions.